The following is an entry in ClinVar:

NM_025081.3(NYNRIN):c.979A>G (p.Lys327Glu)

Gene: NYNRIN (NYN domain and retroviral integrase containing; plus strand). Cytogenetic location: 14q12.
Variant type: single nucleotide variant.
Coding change: c.979A>G on transcript NM_025081.3 (MANE Select); coding-DNA position 979, A replaced by G.
Protein change: p.Lys327Glu; replaces lysine 327 with glutamic acid.
Molecular consequence: missense variant.
Genome position (GRCh38, 1-based): chr14:24,408,773, A>G. VCF-style: chr14-24408773-A-G. GRCh37 (hg19) VCF-style: chr14-24877979-A-G.
Other names: c.979A>G (NM_025081.2); short protein forms K327E.
Identifiers: ClinVar variation 3707674 (VCV003707674.3).
Genomic context (GRCh38, chr14:24,408,773, plus strand): 5'-ACCAGCAGCCAGGACTCCACGAACCACACACAAGCCTTGTTGAAGCAAAGGCAGGTCCAG[A>G]AGATAGAAGATAAACTCCTCTTCCAACCTCCAGTATCAGCCCTGGGTGTGTGCCCACCCT-3'
Protein context (NP_079357.2, residues 317-337): QALLKQRQVQ[Lys327Glu]IEDKLLFQPP

ClinVar aggregate classification (germline): Uncertain significance. Review status: criteria provided, multiple submitters, no conflicts (2 of 4 stars). 2 submissions from 2 submitters: Uncertain significance (2). Last evaluated 2025-05-06.

gnomAD v4.1: 14 of 1,613,978 alleles (0.00087%); highest among the groups gnomAD compares: East Asian, 0.027%; no homozygotes.

Submissions (2):

Ambry Genetics
Classification: Uncertain significance. Last evaluated: 2025-05-06. Review status: criteria provided, single submitter. Criteria: Ambry Variant Classification Scheme 2023. Collection method: clinical testing. Allele origin: germline.

Labcorp Genetics (formerly Invitae), Labcorp
Classification: Uncertain significance. Last evaluated: 2024-11-03. Review status: criteria provided, single submitter. Criteria: Invitae Variant Classification Sherloc (09022015). Collection method: clinical testing. Allele origin: germline.
Comment: This sequence change replaces lysine, which is basic and polar, with glutamic acid, which is acidic and polar, at codon 327 of the NYNRIN protein (p.Lys327Glu). This variant is present in population databases (rs755419891, gnomAD 0.05%). This variant has not been reported in the literature in individuals affected with NYNRIN-related conditions. Experimental studies and prediction algorithms are not available or were not evaluated, and the functional significance of this variant is currently unknown. In summary, the available evidence is currently insufficient to determine the role of this variant in disease. Therefore, it has been classified as a Variant of Uncertain Significance.